The following is an entry in ClinVar:

ClinVar aggregate classification (germline): Conflicting classifications of pathogenicity. Review status: criteria provided, conflicting classifications (1 of 4 stars). 5 submissions from 4 submitters: Pathogenic (1); Likely pathogenic (1); Uncertain significance (3). Last evaluated 2025-11-25.

Conditions:
PPA2-related disorder. Also called: PPA2-related disorders; PPA2-related condition.
Sudden cardiac failure, alcohol-induced (SCFAI). Identifiers: MedGen C4310663, MONDO:0014974, OMIM 617223.
Sudden cardiac failure, infantile (SCFI). Identifiers: MedGen C4310664, MONDO:0014973, OMIM 617222.

Allele frequency attached by ClinVar (database versions not stated): TOPMed below 0.00001; gnomAD 0.00001; gnomAD exomes 0.00001; ExAC 0.00002.
gnomAD v4.1: 12 of 1,605,042 alleles (0.00075%); highest among the groups gnomAD compares: East Asian, 0.0022%; no homozygotes.

Submissions (5):

PreventionGenetics, part of Exact Sciences
Classification: Likely pathogenic for PPA2-related condition. Last evaluated: 2025-11-25. Review status: criteria provided, single submitter. Criteria: ACMG Guidelines, 2015. Collection method: clinical testing. Allele origin: germline.
Comment: The PPA2 c.250C>T variant is predicted to result in premature protein termination (p.Arg84*). This variant was reported in the compound heterozygous state in an individual with sudden sudden cardiac death (Guimier et al. 2021. PubMed ID: 34400813). This variant is reported in 0.0055% of alleles in individuals of East Asian descent in gnomAD. Nonsense variants in PPA2 are expected to be pathogenic. This variant is interpreted as likely pathogenic.

Victorian Clinical Genetics Services, Murdoch Childrens Research Institute
Classification: Pathogenic for Sudden cardiac failure, infantile. Last evaluated: 2024-12-03. Review status: criteria provided, single submitter. Criteria: ACMG Guidelines, 2015. Collection method: clinical testing. Allele origin: germline. Affected: no.
Comment: This variant is classified as Pathogenic. Evidence in support of pathogenic classification: Variant is predicted to cause nonsense-mediated decay (NMD) and loss of protein (premature termination codon is located at least 54 nucleotides upstream of the final exon-exon junction); Variant is present in gnomAD <0.01 for a recessive condition (v4; 12 heterozygote(s), 0 homozygote(s)); Other NMD-predicted variants comparable to the one identified in this case have limited previous evidence for pathogenicity. Three NMD-predicted variants have been classified as pathogenic, likely pathogenic or with additional conflicting VUS interpretations in ClinVar. Two of these variants have been observed as compound heterozygous in individuals with cardiac failure (PMID: 33826954, 34400813). Other NMD-predicted variants have been classified as VUS in ClinVar; Heterozygous variant detected in trans with a second PATHOGENIC heterozygous variant (NM_176869.3(PPA2):c.476C>T; p.(Thr159Met) in a recessive disease. Additional information: This variant is heterozygous; This gene is associated with autosomal recessive disease; Previous reports of pathogenicity for this variant are conflicting. This variant has been classified as a VUS by a clinical laboratory in ClinVar, and has been observed as compound heterozygous in one individual with cardiac failure in the literature (PMID: 34400813); No published segregation evidence has been identified for this variant; No published functional evidence has been identified for this variant; Loss of function is a known mechanism of disease in this gene and is associated with sudden cardiac failure, infantile (MIM#617222).

Labcorp Genetics (formerly Invitae), Labcorp
Classification: Uncertain significance. Last evaluated: 2021-11-12. Review status: criteria provided, single submitter. Criteria: Invitae Variant Classification Sherloc (09022015). Collection method: clinical testing. Allele origin: germline.
Comment: This sequence change creates a premature translational stop signal (p.Arg84*) in the PPA2 gene. It is expected to result in an absent or disrupted protein product. However, the current clinical and genetic evidence is not sufficient to establish whether loss-of-function variants in PPA2 cause disease. In summary, the available evidence is currently insufficient to determine the role of this variant in disease. Therefore, it has been classified as a Variant of Uncertain Significance. ClinVar contains an entry for this variant (Variation ID: 1048582). This variant has not been reported in the literature in individuals affected with PPA2-related conditions. This variant is present in population databases (rs781655422, gnomAD 0.006%).

PPA2 laboratory, University of Otago
Classification: Uncertain significance for Sudden cardiac failure, infantile. Last evaluated: 2021-03-02. Review status: criteria provided, single submitter. Criteria: ACMG Guidelines, 2015. Collection method: research. Allele origin: germline. Affected: yes.

PPA2 laboratory, University of Otago
Classification: Uncertain significance for Sudden cardiac failure, alcohol-induced. Last evaluated: 2021-03-02. Review status: criteria provided, single submitter. Criteria: ACMG Guidelines, 2015. Collection method: research. Allele origin: germline. Affected: yes.

Literature cited by the submitters: PubMed 33826954 (cited by Victorian Clinical Genetics Services, Murdoch Childrens Research Institute); PubMed 34400813 (cited by Victorian Clinical Genetics Services, Murdoch Childrens Research Institute).

NM_176869.3(PPA2):c.250C>T (p.Arg84Ter)

Gene: PPA2 (inorganic pyrophosphatase 2; minus strand). Cytogenetic location: 4q24.
Variant type: single nucleotide variant.
Coding change: c.250C>T on transcript NM_176869.3 (MANE Select); coding-DNA position 250, C replaced by T.
Protein change: p.Arg84Ter; replaces arginine 84 with a stop codon.
Molecular consequence: nonsense. On other transcripts: intron variant (2).
Genome position (GRCh38, 1-based): chr4:105,453,615, G>A on the plus strand (C>T on the coding strand, the complement: PPA2 is on the minus strand). VCF-style: chr4-105453615-G-A. GRCh37 (hg19) VCF-style: chr4-106374772-G-A.
Other names: c.250C>T, p.Arg84Ter (NM_006903.4); c.157+20279C>T (NM_176867.3); c.222+3066C>T (NM_176866.2); short protein forms R84*.
Identifiers: ClinVar variation 1048582 (VCV001048582.9), dbSNP rs781655422, ClinGen allele CA3032635.